The following is an entry in ClinVar:

NC_000017.11:g.(43082576_43090943)_(43097290_43099774)del

Gene: BRCA1 (BRCA1 DNA repair associated; minus strand). Cytogenetic location: 17q21.31.
Variant type: Deletion.
Identifiers: ClinVar variation 981985 (VCV000981985.1).

ClinVar aggregate classification (germline): Pathogenic (1 of 4 stars; one submission).

Conditions:
Hereditary breast ovarian cancer syndrome. Also called: Hereditary breast and ovarian cancer syndrome; Hereditary breast and/or ovarian cancer syndrome; Hereditary breast and ovarian cancer syndrome (HBOC); Hereditary breast and ovarian cancer; Breast and ovarian cancer; BRCA1- and BRCA2-Associated Hereditary Breast and Ovarian Cancer. Identifiers: Orphanet 145, MedGen C0677776, MeSH D061325, MONDO:0003582. Disease mechanism: loss of function.

Submission:

Women's Health and Genetics/Laboratory Corporation of America, LabCorp
Classification: Pathogenic for Hereditary breast and ovarian cancer syndrome. Last evaluated: 2019-08-28. Review status: criteria provided, single submitter. Criteria: LabCorp Variant Classification Summary - May 2015. Collection method: clinical testing. Allele origin: germline.
Comment: Variant summary: The variant identified by MLPA or other technology involves the deletion of exons 8-11 in the BRCA1 gene (also reported as deletion of exons 9-12 in the literature). A presumed nomenclature of c.(547+1_548-1)_(4185+1_4186-1)del has been designated for the purposes of this classification. Although exact breakpoints of this deletion are not known, it is expected to result in a frameshift deletion change in the BRCA1 gene, a known mechanism of disease. The variant allele was found at a frequency of 4.8e-05 in 20754 control chromosomes (gnomAD). The variant has been reported in the literature in multiple individuals affected with Hereditary Breast and Ovarian Cancer (Weitzel_2013, Villarreal-Garza_2015, Rebbeck_2018). These data indicate that the variant is very likely to be associated with disease. Two ClinVar submitters (evaluation after 2014) cite the variant as pathogenic. Based on the evidence outlined above, the variant was classified as pathogenic.

Literature cited by the submitters: PubMed 23233716; PubMed 25236687; PubMed 29446198; PubMed 24569164.